The following is an entry in ClinVar:

NM_004385.5(VCAN):c.4248C>T (p.Leu1416=)

Genes: VCAN (versican; plus strand), VCAN-AS1 (VCAN antisense RNA 1; minus strand). Cytogenetic location: 5q14.3.
Variant type: single nucleotide variant.
Coding change: c.4248C>T on transcript NM_004385.5 (MANE Select); coding-DNA position 4248, C replaced by T.
Protein change: p.Leu1416=; no amino-acid change (leucine 1416 retained).
Molecular consequence: synonymous variant. On other transcripts: intron variant (2).
Genome position (GRCh38, 1-based): chr5:83,537,251, C>T. VCF-style: chr5-83537251-C-T. GRCh37 (hg19) VCF-style: chr5-82833070-C-T.
Other names: c.1287C>T, p.Leu429= (NM_001164097.2); c.4004-8286C>T (NM_001164098.2); c.1043-8286C>T (NM_001126336.3).
Identifiers: ClinVar variation 354422 (VCV000354422.10), dbSNP rs758617685, ClinGen allele CA3333138.

ClinVar aggregate classification (germline): Likely benign. Review status: criteria provided, multiple submitters, no conflicts (2 of 4 stars). 3 submissions from 3 submitters: Likely benign (3). Last evaluated 2024-08-18.

Conditions:
Vitreoretinopathy. Also called: Vitreoretinal degeneration. Identifiers: MedGen C0344290, MONDO:0020248, HP:0007773.

Allele frequency attached by ClinVar (database versions not stated): gnomAD 0.00001; TOPMed 0.00001; ExAC 0.00002; gnomAD exomes 0.00002.
gnomAD v4.1: 28 of 1,613,784 alleles (0.0017%); highest among the groups gnomAD compares: African/African-American, 0.0027%; no homozygotes.

Submissions (3):

Labcorp Genetics (formerly Invitae), Labcorp
Classification: Likely benign. Last evaluated: 2024-08-18. Review status: criteria provided, single submitter. Criteria: Invitae Variant Classification Sherloc (09022015). Collection method: clinical testing. Allele origin: germline.

Blueprint Genetics
Classification: Likely benign. Last evaluated: 2024-01-23. Review status: criteria provided, single submitter. Criteria: ACMG Guidelines, 2015. Collection method: clinical testing. Allele origin: germline.

Illumina Laboratory Services, Illumina
Classification: Likely benign for Vitreoretinopathy. Last evaluated: 2018-01-12. Review status: criteria provided, single submitter. Criteria: ICSL Variant Classification Criteria 13 December 2019. Collection method: clinical testing. Allele origin: germline.
Comment: This variant was observed in the ICSL laboratory as part of a predisposition screen in an ostensibly healthy population. It had not been previously curated by ICSL or reported in the Human Gene Mutation Database (HGMD: prior to June 1st, 2018), and was therefore a candidate for classification through an automated scoring system. Utilizing variant allele frequency, disease prevalence and penetrance estimates, and inheritance mode, an automated score was calculated to assess if this variant is too frequent to cause the disease. Based on the score and internal cut-off values, a variant classified as likely benign is not then subjected to further curation. The score for this variant resulted in a classification of likely benign for this disease.